The following is an entry in ClinVar:

ClinVar aggregate classification (germline): Pathogenic. Review status: criteria provided, multiple submitters, no conflicts (2 of 4 stars). 12 submissions from 12 submitters: Pathogenic (9). 3 of the submissions do not count toward it. Last evaluated 2025-08-21.

Conditions:
Arthrogryposis. Identifiers: MedGen C0003886, MONDO:0008779.
TPM2-related disorder. Also called: TPM2-related disorders; TPM2-related condition.
Arthrogryposis, distal, type 2B4. Identifiers: MedGen C5193002, MONDO:0800200.
Arthrogryposis, distal, type 1A. Also called: ARTHROGRYPOSIS MULTIPLEX CONGENITA, DISTAL, TYPE I. Identifiers: Orphanet 1146, MedGen C6022280, MONDO:0007157, OMIM 108120.

Submissions (12):

3billion
Classification: Pathogenic for Arthrogryposis, distal, type 1A. Last evaluated: 2025-08-21. Review status: criteria provided, single submitter. Criteria: ACMG Guidelines, 2015. Collection method: clinical testing. Allele origin: germline. Affected: yes.
Comment: The variant is not observed in the gnomAD v4.1.0 dataset. Predicted Consequence/Location: Missense variant In silico tool predictions suggest damaging effect of the variant on gene or gene product [REVEL: 0.79 (>=0.6, sensitivity 0.68 and specificity 0.92); 3Cnet: 0.93 (> 0.75, sensitivity 0.96 and precision 0.92)]. The same nucleotide change resulting in the same amino acid change has been previously reported as pathogenic/likely pathogenic with strong evidence (ClinVar ID: VCV000012463 /PMID: 17430991 /3billion dataset). The variant has been previously reported as de novo in a similarly affected individual (PMID: 17339586). The variant has been previously reported as assumed (i.e. paternity and maternity not confirmed) de novo in at least one similarly affected unrelated individual (3billion dataset). A different missense change at the same codon (p.Arg133Pro) has been reported to be associated with TPM2-related disorder (PMID: 23886664). Therefore, this variant is classified as Pathogenic according to the recommendation of ACMG/AMP guideline.

Dasa
Classification: Pathogenic. Last evaluated: 2024-11-15. Review status: criteria provided, single submitter. Criteria: DASA Assertion Criteria. Collection method: clinical testing. Allele origin: germline.
Comment: NM_003289.4(TPM2):c.397C>T (p.Arg133Trp) is a missense variant that results in the substitution of arginine with tryptophan. The affected residue or protein region has prior evidence supporting clinical relevance. De novo occurrence has been reported in an individual with related phenotype. Functional evidence supports a deleterious effect on the gene or gene product (PMID: 23678273; PMID: 24692096; PMID: 32092148). This variant has been recurrently observed in individuals with related phenotype (PMID: 23678273; PMID: 24692096; PMID: 32092148). Segregation evidence has been reported in affected families. Multiple computational predictions support a deleterious effect on the gene or gene product. The variant is present at low frequency in population datasets. Based on the available data, this variant is classified as pathogenic.

Dubai Health Genomic Medicine Center, Dubai Health
Classification: Pathogenic for Arthrogryposis. Last evaluated: 2024-10-04. Review status: criteria provided, single submitter. Criteria: ACMG Guidelines, 2015. Collection method: research. Allele origin: germline. Affected: yes.
Comment: PS4,PS3,PM2,PP3

Labcorp Genetics (formerly Invitae), Labcorp
Classification: Pathogenic for Digitotalar dysmorphism. Last evaluated: 2024-02-24. Review status: criteria provided, single submitter. Criteria: Invitae Variant Classification Sherloc (09022015). Collection method: clinical testing. Allele origin: germline.
Comment: This sequence change replaces arginine, which is basic and polar, with tryptophan, which is neutral and slightly polar, at codon 133 of the TPM2 protein (p.Arg133Trp). This variant is not present in population databases (gnomAD no frequency). This missense change has been observed in individuals with arthrogryposis and/or congenital myopathy (PMID: 17339586, 23678273, 24692096, 32092148). ClinVar contains an entry for this variant (Variation ID: 12463). Advanced modeling of protein sequence and biophysical properties (such as structural, functional, and spatial information, amino acid conservation, physicochemical variation, residue mobility, and thermodynamic stability) performed at Invitae indicates that this missense variant is expected to disrupt TPM2 protein function with a positive predictive value of 80%. This variant disrupts the p.Arg133 amino acid residue in TPM2. Other variant(s) that disrupt this residue have been observed in individuals with TPM2-related conditions (PMID: 24692096), which suggests that this may be a clinically significant amino acid residue. For these reasons, this variant has been classified as Pathogenic.

GeneDx
Classification: Pathogenic. Last evaluated: 2022-06-30. Review status: criteria provided, single submitter. Criteria: GeneDx Variant Classification Process June 2021. Collection method: clinical testing. Allele origin: germline. Affected: yes.
Comment: Published functional studies suggest a damaging effect during activation as the variant partially inhibits both calcium- and myosin-induced tropomyosin movement over the thin filament (Ochala et al., 2010); Not observed at significant frequency in large population cohorts (gnomAD); Missense variants in this gene are often considered pathogenic (HGMD); In silico analysis supports that this missense variant has a deleterious effect on protein structure/function; This variant is associated with the following publications: (PMID: 26307083, 22519952, 23401156, 18422639, 24692096, 23678273, 17339586, 17430991, 31526942, 32092148, 30199282, 31535252, 31864708, 32528171, 20457903, 35579956, 33066566, Neissi2022[Case Report])

Blueprint Genetics
Classification: Pathogenic for TPM2-related disorders. Last evaluated: 2021-04-16. Review status: criteria provided, single submitter. Criteria: ACMG Guidelines, 2015. Collection method: clinical testing. Allele origin: germline. Affected: yes. Observed: 1 variant allele.

CENTOGENE GmbH and LLC - Guiding Precision Medicine
Classification: Pathogenic for Arthrogryposis, distal, type 1A. Last evaluated: 2019-06-06. Review status: criteria provided, single submitter. Criteria: ACMG Guidelines, 2015. Collection method: clinical testing. Allele origin: de novo. Affected: yes.

Eurofins Ntd Llc (ga)
Classification: Pathogenic. Last evaluated: 2018-01-09. Review status: criteria provided, single submitter. Criteria: EGL Classification Definitions 2015. Collection method: clinical testing. Allele origin: germline. Observed: 1 variant allele, 1 heterozygote.

Suma Genomics
Classification: Pathogenic for Arthrogryposis, distal, type 1A. Review status: criteria provided, single submitter. Criteria: ACMG Guidelines, 2015. Collection method: clinical testing. Allele origin: germline. Inheritance: Autosomal dominant inheritance. Affected: yes. Observed: 1 heterozygote.

PreventionGenetics, part of Exact Sciences
Classification: Pathogenic for TPM2-related condition. Last evaluated: 2023-11-28. Review status: no assertion criteria provided. Collection method: clinical testing. Allele origin: germline. Not counted in ClinVar's aggregate classification.
Comment: The TPM2 c.397C>T variant is predicted to result in the amino acid substitution p.Arg133Trp. This variant has been reported in many unrelated individuals to be causative for TPM2-related disorders (Ochala et al. 2007. PubMed ID 17430991; Marttila et al. 2014. PubMed ID: 24692096; Beck et al. 2013. PubMed ID: 23401156; Table S4, Töpf et al. 2020. PubMed ID: 32528171; Vogt et al. 2020. PubMed ID: 32092148). Functional studies suggested that this variant leads to disrupted regulation of muscle contraction (Ochala et al. 2007. PubMed ID: 17430991). This variant has not been reported in a large population database, indicating this variant is rare. In ClinVar, this variant is interpreted as pathogenic. This variant is interpreted as pathogenic.

OMIM
Classification: Pathogenic for ARTHROGRYPOSIS, DISTAL, TYPE 2B4. Last evaluated: 2013-05-01. Review status: no assertion criteria provided. Collection method: literature only. Allele origin: germline. Not counted in ClinVar's aggregate classification.

TPM2 homepage - Leiden Muscular Dystrophy pages
No classification provided. Review status: no classification provided. Collection method: not provided. Allele origin: de novo, germline. Not counted in ClinVar's aggregate classification.

Literature cited by the submitters: PubMed 23886664 (cited by 3billion); PubMed 17339586 (cited by 3 submitters); PubMed 17430991 (cited by 3billion); PubMed 23678273 (cited by 3 submitters); PubMed 24692096 (cited by Dasa and Labcorp Genetics (formerly Invitae), Labcorp); PubMed 32092148 (cited by Dasa and Labcorp Genetics (formerly Invitae), Labcorp); PubMed 29068549 (cited by Suma Genomics).

NM_003289.4(TPM2):c.397C>T (p.Arg133Trp)

Gene: TPM2 (tropomyosin 2; minus strand). Cytogenetic location: 9p13.3.
Variant type: single nucleotide variant.
Coding change: c.397C>T on transcript NM_003289.4 (MANE Select); coding-DNA position 397, C replaced by T.
Protein change: p.Arg133Trp; replaces arginine 133 with tryptophan.
Molecular consequence: missense variant.
Genome position (GRCh38, 1-based): chr9:35,685,529, G>A on the plus strand (C>T on the coding strand, the complement: TPM2 is on the minus strand). VCF-style: chr9-35685529-G-A. GRCh37 (hg19) VCF-style: chr9-35685526-G-A.
Other names: c.397C>T, p.Arg133Trp (NM_001301226.2, NM_001301227.2, NM_213674.1); c.397C>T (NM_001301227.1); short protein forms R133W.
Identifiers: ClinVar variation 12463 (VCV000012463.23), dbSNP rs137853305, ClinGen allele CA122407.